The following is an entry in ClinVar:

NM_006031.6(PCNT):c.5871T>G (p.Ala1957=)

Gene: PCNT (pericentrin; plus strand). Cytogenetic location: 21q22.3.
Variant type: single nucleotide variant.
Coding change: c.5871T>G on transcript NM_006031.6 (MANE Select); coding-DNA position 5871, T replaced by G.
Protein change: p.Ala1957=; no amino-acid change (alanine 1957 retained).
Molecular consequence: synonymous variant.
Genome position (GRCh38, 1-based): chr21:46,411,944, T>G. VCF-style: chr21-46411944-T-G. GRCh37 (hg19) VCF-style: chr21-47831858-T-G.
Other names: c.5871T>G (NM_006031.5); c.5517T>G, p.Ala1839= (NM_001315529.2).
Identifiers: ClinVar variation 2989824 (VCV002989824.5), dbSNP rs778072862, ClinGen allele CA10080105.

ClinVar aggregate classification (germline): Likely benign. Review status: criteria provided, single submitter (1 of 4 stars). 2 submissions from 2 submitters: Likely benign (1). 1 of the submissions does not count toward it. Last evaluated 2023-09-24.

Conditions:
PCNT-related disorder. Also called: PCNT-related condition.

Allele frequency attached by ClinVar (database versions not stated): ExAC 0.00001; gnomAD 0.00001; TOPMed 0.00001.
gnomAD v4.1: 12 of 1,596,598 alleles (0.00075%); highest among the groups gnomAD compares: Non-Finnish European, 0.001%; no homozygotes.

Submissions (2):

Labcorp Genetics (formerly Invitae), Labcorp
Classification: Likely benign. Last evaluated: 2023-09-24. Review status: criteria provided, single submitter. Criteria: Invitae Variant Classification Sherloc (09022015). Collection method: clinical testing. Allele origin: germline.

PreventionGenetics, part of Exact Sciences
Classification: Likely benign for PCNT-related condition. Last evaluated: 2022-07-29. Review status: no assertion criteria provided. Collection method: clinical testing. Allele origin: germline. Not counted in ClinVar's aggregate classification.
Comment: This variant is classified as likely benign based on ACMG/AMP sequence variant interpretation guidelines (Richards et al. 2015 PMID: 25741868, with internal and published modifications).